The following is an entry in ClinVar:

ClinVar aggregate classification (germline): Uncertain significance. Review status: criteria provided, multiple submitters, no conflicts (2 of 4 stars). 4 submissions from 4 submitters: Uncertain significance (4). Last evaluated 2025-08-06.

Allele frequency attached by ClinVar (database versions not stated): ExAC 0.00002; gnomAD exomes 0.00004 and 0.00012; TOPMed 0.00004; gnomAD 0.00005 and 0.00006; ESP Exome Variant Server 0.00008.
gnomAD v4.1: 173 of 1,612,852 alleles (0.011%); highest among the groups gnomAD compares: Non-Finnish European, 0.014%; no homozygotes.

Submissions (4):

Quest Diagnostics Nichols Institute San Juan Capistrano
Classification: Uncertain significance. Last evaluated: 2025-08-06. Review status: criteria provided, single submitter. Criteria: Quest Diagnostics criteria. Collection method: clinical testing. Allele origin: unknown.
Comment: The RECQL c.1171A>G (p.Met391Val) variant has been reported in the published literature in as well as in a reportedly unaffected individual in a large scale breast cancer association study (PMID: 33471991 (2021), see also LOVD). The frequency of this variant in the general population (Genome Aggregation Database) is uninformative in the assessment of its pathogenicity. Analysis of this variant using bioinformatics tools for the prediction of the effect of amino acid changes on protein structure and function yielded predictions that this variant is benign. Based on the available information, we are unable to determine the clinical significance of this variant.

Labcorp Genetics (formerly Invitae), Labcorp
Classification: Uncertain significance. Last evaluated: 2025-03-16. Review status: criteria provided, single submitter. Criteria: Invitae Variant Classification Sherloc (09022015). Collection method: clinical testing. Allele origin: germline.
Comment: This sequence change replaces methionine, which is neutral and non-polar, with valine, which is neutral and non-polar, at codon 391 of the RECQL protein (p.Met391Val). This variant is present in population databases (rs142106831, gnomAD 0.007%). This variant has not been reported in the literature in individuals affected with RECQL-related conditions. ClinVar contains an entry for this variant (Variation ID: 1022532). Invitae Evidence Modeling of protein sequence and biophysical properties (such as structural, functional, and spatial information, amino acid conservation, physicochemical variation, residue mobility, and thermodynamic stability) indicates that this missense variant is not expected to disrupt RECQL protein function with a negative predictive value of 80%. In summary, the available evidence is currently insufficient to determine the role of this variant in disease. Therefore, it has been classified as a Variant of Uncertain Significance.

Ambry Genetics
Classification: Uncertain significance. Last evaluated: 2024-09-21. Review status: criteria provided, single submitter. Criteria: Ambry Variant Classification Scheme 2023. Collection method: clinical testing. Allele origin: germline.
Comment: The p.M391V variant (also known as c.1171A>G), located in coding exon 9 of the RECQL gene, results from an A to G substitution at nucleotide position 1171. The methionine at codon 391 is replaced by valine, an amino acid with highly similar properties. This amino acid position is not well conserved in available vertebrate species. In addition, this alteration is predicted to be tolerated by in silico analysis. Since supporting evidence is limited at this time, the clinical significance of this alteration remains unclear.

GeneDx
Classification: Uncertain significance. Last evaluated: 2024-05-24. Review status: criteria provided, single submitter. Criteria: GeneDx Variant Classification Process June 2021. Collection method: clinical testing. Allele origin: germline. Affected: yes.
Comment: In silico analysis indicates that this missense variant does not alter protein structure/function; Has not been previously published as pathogenic or benign to our knowledge; Variants in candidate genes are classified as variants of uncertain significance in accordance with ACMG guidelines (PMID: 25741868); This variant is associated with the following publications: (PMID: 26455304, 27248010, 19151156)

Literature cited by the submitters: PubMed 33471991 (cited by Quest Diagnostics Nichols Institute San Juan Capistrano).

NM_002907.4(RECQL):c.1171A>G (p.Met391Val)

Gene: RECQL (RecQ like helicase; minus strand). Cytogenetic location: 12p12.1.
Variant type: single nucleotide variant.
Coding change: c.1171A>G on transcript NM_002907.4 (MANE Select); coding-DNA position 1171, A replaced by G.
Protein change: p.Met391Val; replaces methionine 391 with valine.
Molecular consequence: missense variant.
Genome position (GRCh38, 1-based): chr12:21,475,513, T>C on the plus strand (A>G on the coding strand, the complement: RECQL is on the minus strand). VCF-style: chr12-21475513-T-C. GRCh37 (hg19) VCF-style: chr12-21628447-T-C.
Other names: c.1171A>G, p.Met391Val (NM_032941.3); short protein forms M391V.
Identifiers: ClinVar variation 1022532 (VCV001022532.20), dbSNP rs142106831, ClinGen allele CA6478837.